The following is an entry in ClinVar:

ClinVar aggregate classification (germline): Uncertain significance (1 of 4 stars; one submission).

Conditions:
PKD1-related disorder. Also called: PKD1-related condition.

gnomAD v4.1: 9 of 1,610,604 alleles (0.00056%); highest among the groups gnomAD compares: South Asian, 0.0044%; no homozygotes.

Submission:

PreventionGenetics, part of Exact Sciences
Classification: Uncertain significance for PKD1-related condition. Last evaluated: 2026-01-30. Review status: criteria provided, single submitter. Criteria: ACMG Guidelines, 2015. Collection method: clinical testing. Allele origin: germline.
Comment: The PKD1 c.5290G>A variant is predicted to result in the amino acid substitution p.Glu1764Lys. To our knowledge, this variant has not been reported in the literature. This variant is reported in 0.00089% of alleles in individuals of European (Non-Finnish) descent in gnomAD. At this time, the clinical significance of this variant is uncertain due to the absence of conclusive functional and genetic evidence.

NM_001009944.3(PKD1):c.5290G>A (p.Glu1764Lys)

Gene: PKD1 (polycystin 1, transient receptor potential channel interacting; minus strand). Cytogenetic location: 16p13.3.
Variant type: single nucleotide variant.
Coding change: c.5290G>A on transcript NM_001009944.3 (MANE Select); coding-DNA position 5290, G replaced by A.
Protein change: p.Glu1764Lys; replaces glutamic acid 1764 with lysine.
Molecular consequence: missense variant.
Genome position (GRCh38, 1-based): chr16:2,109,877, C>T on the plus strand (G>A on the coding strand, the complement: PKD1 is on the minus strand). VCF-style: chr16-2109877-C-T. GRCh37 (hg19) VCF-style: chr16-2159878-C-T.
Other names: c.5290G>A, p.Glu1764Lys (NM_000296.4); short protein forms E1764K.
Identifiers: ClinVar variation 4979971 (VCV004979971.1).